The following is an entry in ClinVar:

ClinVar aggregate classification (germline): Likely pathogenic (1 of 4 stars; one submission).

Conditions:
2-aminoadipic 2-oxoadipic aciduria (AAKAD). Also called: Aminoadipic aciduria; ALPHA-AMINOADIPIC AND ALPHA-KETOADIPIC ACIDURIA. Identifiers: Orphanet 79154, MedGen C1859817, MONDO:0008774, OMIM 204750.

Submission:

First Genomix Gene Laboratory, Genetic Diagnostics Department
Classification: Likely pathogenic for 2-aminoadipic 2-oxoadipic aciduria. Last evaluated: 2025-05-20. Review status: criteria provided, single submitter. Criteria: ACMG Guidelines, 2015. Collection method: clinical testing. Allele origin: germline. Inheritance: Autosomal recessive inheritance. Affected: no. Observed: 1 variant allele.

NM_018706.7(DHTKD1):c.71dup (p.Tyr24Ter)

Gene: DHTKD1 (dehydrogenase E1 and transketolase domain containing 1; plus strand). Cytogenetic location: 10p14.
Variant type: Duplication.
Coding change: c.71dup on transcript NM_018706.7 (MANE Select); coding-DNA position 71, one base duplicated (A; older notation c.71dupA).
Protein change: p.Tyr24Ter; replaces tyrosine 24 with a stop codon.
Molecular consequence: nonsense.
Genome position (GRCh38, 1-based): chr10:12,069,104, A duplicated. VCF-style (leftmost placement, unchanged base first): chr10-12069103-T-TA. GRCh37 (hg19) VCF-style: chr10-12111102-T-TA.
Other names: c.71dupA (NM_018706.7); short protein forms Y24*.
Identifiers: ClinVar variation 4845924 (VCV004845924.1).